The following is an entry in ClinVar:

ClinVar aggregate classification (germline): Uncertain significance (1 of 4 stars; one submission).

Submission:

Labcorp Genetics (formerly Invitae), Labcorp
Classification: Uncertain significance. Last evaluated: 2022-10-23. Review status: criteria provided, single submitter. Criteria: Invitae Variant Classification Sherloc (09022015). Collection method: clinical testing. Allele origin: germline.
Comment: In summary, the available evidence is currently insufficient to determine the role of this variant in disease. Therefore, it has been classified as a Variant of Uncertain Significance. This variant has not been reported in the literature in individuals affected with IL18BP-related conditions. This variant is not present in population databases (gnomAD no frequency). This sequence change falls in intron 1 of the IL18BP gene. It does not directly change the encoded amino acid sequence of the IL18BP protein.

NM_001039660.2(IL18BP):c.28+9T>A

Gene: IL18BP (interleukin 18 binding protein; plus strand). Cytogenetic location: 11q13.4.
Variant type: single nucleotide variant.
Coding change: c.28+9T>A on transcript NM_001039660.2 (MANE Select); 9 bases into the intron after coding-DNA position 28, T replaced by A.
Molecular consequence: intron variant.
Genome position (GRCh38, 1-based): chr11:72,000,021, T>A. VCF-style: chr11-72000021-T-A. GRCh37 (hg19) VCF-style: chr11-71711067-T-A.
Other names: c.28+9T>A (NM_001039659.2, NM_173044.3, NM_005699.3 and 3 more transcripts).
Identifiers: ClinVar variation 2808518 (VCV002808518.3), dbSNP rs2495818922, ClinGen allele CA2739270635.